The following is an entry in ClinVar:

NM_004260.4(RECQL4):c.544C>G (p.Arg182Gly)

Gene: RECQL4 (RecQ like helicase 4; minus strand). Cytogenetic location: 8q24.3.
Variant type: single nucleotide variant.
Coding change: c.544C>G on transcript NM_004260.4 (MANE Select); coding-DNA position 544, C replaced by G.
Protein change: p.Arg182Gly; replaces arginine 182 with glycine.
Molecular consequence: missense variant.
Genome position (GRCh38, 1-based): chr8:144,516,575, G>C on the plus strand (C>G on the coding strand, the complement: RECQL4 is on the minus strand). VCF-style: chr8-144516575-G-C. GRCh37 (hg19) VCF-style: chr8-145741959-G-C.
Other names: short protein forms R182G.
Identifiers: ClinVar variation 1400028 (VCV001400028.5), dbSNP rs750986351, ClinGen allele CA372691082.
Genomic context (GRCh38, chr8:144,516,575, plus strand): 5'-GAAAATCTGGGACCTCACTGTGACATCGCTGTAACCAGCCAGGATCTAGGGAGCCCAGCC[G>C]CTGGCTCAGGGATGCCTGCAGATGCTGGAGCCGGCCTGGCCTTGGCTGGGGCTCAGGGAG-3'
Protein context (NP_004251.4, residues 172-192): LQHLQASLSQ[Arg182Gly]LGSLDPGWLQ

ClinVar aggregate classification (germline): Uncertain significance (1 of 4 stars; one submission).

Conditions:
Baller-Gerold syndrome (BGS). Also called: CRANIOSYNOSTOSIS WITH RADIAL DEFECTS. Identifiers: Orphanet 1225, MedGen C0265308, MONDO:0009039, OMIM 218600.

Submission:

Labcorp Genetics (formerly Invitae), Labcorp
Classification: Uncertain significance for Baller-Gerold syndrome. Last evaluated: 2022-01-11. Review status: criteria provided, single submitter. Criteria: Invitae Variant Classification Sherloc (09022015). Collection method: clinical testing. Allele origin: germline.
Comment: In summary, the available evidence is currently insufficient to determine the role of this variant in disease. Therefore, it has been classified as a Variant of Uncertain Significance. Experimental studies and prediction algorithms are not available or were not evaluated, and the functional significance of this variant is currently unknown. This variant has not been reported in the literature in individuals affected with RECQL4-related conditions. This variant is not present in population databases (gnomAD no frequency). This sequence change replaces arginine, which is basic and polar, with glycine, which is neutral and non-polar, at codon 182 of the RECQL4 protein (p.Arg182Gly).